The following is an entry in ClinVar:

NM_000222.3(KIT):c.2206G>C (p.Ala736Pro)

Gene: KIT (KIT proto-oncogene, receptor tyrosine kinase; plus strand). Cytogenetic location: 4q12.
Variant type: single nucleotide variant.
Coding change: c.2206G>C on transcript NM_000222.3 (MANE Select); coding-DNA position 2206, G replaced by C.
Protein change: p.Ala736Pro; replaces alanine 736 with proline.
Molecular consequence: missense variant.
Genome position (GRCh38, 1-based): chr4:54,731,392, G>C. VCF-style: chr4-54731392-G-C. GRCh37 (hg19) VCF-style: chr4-55597558-G-C.
Other names: c.2194G>C, p.Ala732Pro (NM_001093772.2, NM_001385292.1); c.2209G>C, p.Ala737Pro (NM_001385284.1); c.2203G>C, p.Ala735Pro (NM_001385285.1); c.2191G>C, p.Ala731Pro (NM_001385286.1); c.2197G>C, p.Ala733Pro (NM_001385288.1); c.2206G>C, p.Ala736Pro (NM_001385290.1); short protein forms A732P, A733P, A737P, A731P, A735P, A736P.
Identifiers: ClinVar variation 5023307 (VCV005023307.1).

ClinVar aggregate classification (germline): Uncertain significance (1 of 4 stars; one submission).

Conditions:
Hereditary cancer-predisposing syndrome. Also called: Neoplastic Syndromes, Hereditary; Tumor predisposition; Hereditary neoplastic syndrome; Hereditary Cancer Syndrome. Identifiers: Orphanet 140162, MedGen C0027672, MeSH D009386, MONDO:0015356.

Submission:

Ambry Genetics
Classification: Uncertain significance for Hereditary cancer-predisposing syndrome. Last evaluated: 2026-07-06. Review status: criteria provided, single submitter. Criteria: Ambry Variant Classification Scheme 2023. Collection method: clinical testing. Allele origin: germline.
Comment: The p.A736P variant (also known as c.2206G>C), located in coding exon 15 of the KIT gene, results from a G to C substitution at nucleotide position 2206. The alanine at codon 736 is replaced by proline, an amino acid with highly similar properties. This amino acid position is conserved. In addition, this alteration is predicted to be tolerated by in silico analysis. Based on the available evidence, the clinical significance of this variant remains unclear.